The following is an entry in ClinVar:

NM_005733.3(KIF20A):c.1904G>T (p.Ser635Ile)

Gene: KIF20A (kinesin family member 20A; plus strand). Cytogenetic location: 5q31.2.
Variant type: single nucleotide variant.
Coding change: c.1904G>T on transcript NM_005733.3 (MANE Select); coding-DNA position 1904, G replaced by T.
Protein change: p.Ser635Ile; replaces serine 635 with isoleucine.
Molecular consequence: missense variant.
Genome position (GRCh38, 1-based): chr5:138,185,175, G>T. VCF-style: chr5-138185175-G-T. GRCh37 (hg19) VCF-style: chr5-137520864-G-T.
Other names: c.1904G>T (NM_005733.2); short protein forms S635I.
Identifiers: ClinVar variation 1507842 (VCV001507842.7), dbSNP rs141655710, ClinGen allele CA3426750.

ClinVar aggregate classification (germline): Uncertain significance. Review status: criteria provided, multiple submitters, no conflicts (2 of 4 stars). 2 submissions from 2 submitters: Uncertain significance (2). Last evaluated 2025-05-26.

gnomAD v4.1: 77 of 1,613,246 alleles (0.0048%); highest among the groups gnomAD compares: Admixed American, 0.005%; no homozygotes.

Submissions (2):

Labcorp Genetics (formerly Invitae), Labcorp
Classification: Uncertain significance. Last evaluated: 2025-05-26. Review status: criteria provided, single submitter. Criteria: Invitae Variant Classification Sherloc (09022015). Collection method: clinical testing. Allele origin: germline.
Comment: This sequence change replaces serine, which is neutral and polar, with isoleucine, which is neutral and non-polar, at codon 635 of the KIF20A protein (p.Ser635Ile). This variant is present in population databases (rs141655710, gnomAD 0.02%). This variant has not been reported in the literature in individuals affected with KIF20A-related conditions. ClinVar contains an entry for this variant (Variation ID: 1507842). An algorithm developed to predict the effect of missense changes on protein structure and function (PolyPhen-2) suggests that this variant is likely to be tolerated. In summary, the available evidence is currently insufficient to determine the role of this variant in disease. Therefore, it has been classified as a Variant of Uncertain Significance.

Ambry Genetics
Classification: Uncertain significance. Last evaluated: 2024-12-09. Review status: criteria provided, single submitter. Criteria: Ambry Variant Classification Scheme 2023. Collection method: clinical testing. Allele origin: germline.